The following is an entry in ClinVar:

ClinVar aggregate classification (germline): Uncertain significance (1 of 4 stars; one submission).

Conditions:
Polyhydramnios, megalencephaly, and symptomatic epilepsy (PMSE). Also called: PMSE SYNDROME. Identifiers: Orphanet 500533, MedGen C1970203, MONDO:0012611, OMIM 611087.

Allele frequency attached by ClinVar (database versions not stated): gnomAD 0.00001; gnomAD exomes 0.00001; TOPMed 0.00001.
gnomAD v4.1: 15 of 1,612,444 alleles (0.00093%); highest among the groups gnomAD compares: Middle Eastern, 0.017%; no homozygotes.

Submission:

Labcorp Genetics (formerly Invitae), Labcorp
Classification: Uncertain significance for Polyhydramnios, megalencephaly, and symptomatic epilepsy. Last evaluated: 2022-06-20. Review status: criteria provided, single submitter. Criteria: Invitae Variant Classification Sherloc (09022015). Collection method: clinical testing. Allele origin: germline.
Comment: In summary, the available evidence is currently insufficient to determine the role of this variant in disease. Therefore, it has been classified as a Variant of Uncertain Significance. Algorithms developed to predict the effect of missense changes on protein structure and function (SIFT, PolyPhen-2, Align-GVGD) all suggest that this variant is likely to be tolerated. This variant has not been reported in the literature in individuals affected with STRADA-related conditions. The frequency data for this variant in the population databases is considered unreliable, as metrics indicate poor data quality at this position in the gnomAD database. This sequence change replaces serine, which is neutral and polar, with leucine, which is neutral and non-polar, at codon 339 of the STRADA protein (p.Ser339Leu).

NM_001003787.4(STRADA):c.1016C>T (p.Ser339Leu)

Gene: STRADA (STE20 related adaptor alpha; minus strand). Cytogenetic location: 17q23.3.
Variant type: single nucleotide variant.
Coding change: c.1016C>T on transcript NM_001003787.4 (MANE Select); coding-DNA position 1016, C replaced by T.
Protein change: p.Ser339Leu; replaces serine 339 with leucine.
Molecular consequence: missense variant. On other transcripts: non-coding transcript variant (1), intron variant (6).
Genome position (GRCh38, 1-based): chr17:63,704,425, G>A on the plus strand (C>T on the coding strand, the complement: STRADA is on the minus strand). VCF-style: chr17-63704425-G-A. GRCh37 (hg19) VCF-style: chr17-61781785-G-A.
Other names: c.905C>T, p.Ser302Leu (NM_001003786.3, NM_153335.6); c.842C>T, p.Ser281Leu (NM_001003788.3); c.992C>T, p.Ser331Leu (NM_001363786.1); c.929C>T, p.Ser310Leu (NM_001363787.1); c.898+7C>T (NM_001363789.1); c.835+7C>T (NM_001363790.1, NM_001363791.1); c.922+7C>T (NM_001165969.2); c.877+7C>T (NM_001165970.2); and 1 more; short protein forms S310L, S302L, S339L, S331L, S281L.
Identifiers: ClinVar variation 1473997 (VCV001473997.6), dbSNP rs1214691124, ClinGen allele CA400587363.